The following is an entry in ClinVar:

ClinVar aggregate classification (germline): Uncertain significance (1 of 4 stars; one submission).

Conditions:
Dilated cardiomyopathy 1W (CMD1W). Identifiers: Orphanet 154, MedGen C1969639, MONDO:0012667, OMIM 611407.

Submission:

Labcorp Genetics (formerly Invitae), Labcorp
Classification: Uncertain significance for Dilated cardiomyopathy 1W. Last evaluated: 2025-07-09. Review status: criteria provided, single submitter. Criteria: Invitae Variant Classification Sherloc (09022015). Collection method: clinical testing. Allele origin: germline.
Comment: This sequence change replaces alanine, which is neutral and non-polar, with valine, which is neutral and non-polar, at codon 84 of the VCL protein (p.Ala84Val). This variant is not present in population databases (gnomAD no frequency). This variant has not been reported in the literature in individuals affected with VCL-related conditions. An algorithm developed to predict the effect of missense changes on protein structure and function (PolyPhen-2) suggests that this variant is likely to be disruptive. In summary, the available evidence is currently insufficient to determine the role of this variant in disease. Therefore, it has been classified as a Variant of Uncertain Significance.

NM_014000.3(VCL):c.251C>T (p.Ala84Val)

Gene: VCL (vinculin; plus strand). Cytogenetic location: 10q22.2.
Variant type: single nucleotide variant.
Coding change: c.251C>T on transcript NM_014000.3 (MANE Select); coding-DNA position 251, C replaced by T.
Protein change: p.Ala84Val; replaces alanine 84 with valine.
Molecular consequence: missense variant.
Genome position (GRCh38, 1-based): chr10:74,070,681, C>T. VCF-style: chr10-74070681-C-T. GRCh37 (hg19) VCF-style: chr10-75830439-C-T.
Other names: c.251C>T, p.Ala84Val (NM_003373.4); short protein forms A84V.
Identifiers: ClinVar variation 4699157 (VCV004699157.1).
Genomic context (GRCh38, chr10:74,070,681, plus strand): 5'-TTCTTCTGTGTGGTTCTGCCGGTGTGTTAACCTGTGTTCTTCCCTATAGGGTTGAGAATG[C>T]TTGCACCAAGCTTGTCCAGGCAGCTCAGATGCTTCAGTCAGACCCTTACTCAGTGCCTGC-3'
Protein context (NP_054706.1, residues 74-94): MPPAFIKVEN[Ala84Val]CTKLVQAAQM